The following is an entry in ClinVar:

NM_001735.3(C5):c.4210G>A (p.Ala1404Thr)

Gene: C5 (complement C5; minus strand). Cytogenetic location: 9q33.2.
Variant type: single nucleotide variant.
Coding change: c.4210G>A on transcript NM_001735.3 (MANE Select); coding-DNA position 4210, G replaced by A.
Protein change: p.Ala1404Thr; replaces alanine 1404 with threonine.
Molecular consequence: missense variant.
Genome position (GRCh38, 1-based): chr9:120,969,071, C>T on the plus strand (G>A on the coding strand, the complement: C5 is on the minus strand). VCF-style: chr9-120969071-C-T. GRCh37 (hg19) VCF-style: chr9-123731349-C-T.
Other names: c.4228G>A, p.Ala1410Thr (NM_001317163.2); short protein forms A1404T, A1410T.
Identifiers: ClinVar variation 1353040 (VCV001353040.8), dbSNP rs2131679475, ClinGen allele CA374750595.

ClinVar aggregate classification (germline): Uncertain significance (1 of 4 stars; one submission).

Submission:

Labcorp Genetics (formerly Invitae), Labcorp
Classification: Uncertain significance. Last evaluated: 2024-11-11. Review status: criteria provided, single submitter. Criteria: Invitae Variant Classification Sherloc (09022015). Collection method: clinical testing. Allele origin: germline.
Comment: This sequence change replaces alanine, which is neutral and non-polar, with threonine, which is neutral and polar, at codon 1404 of the C5 protein (p.Ala1404Thr). This variant is not present in population databases (gnomAD no frequency). This variant has not been reported in the literature in individuals affected with C5-related conditions. ClinVar contains an entry for this variant (Variation ID: 1353040). Invitae Evidence Modeling of protein sequence and biophysical properties (such as structural, functional, and spatial information, amino acid conservation, physicochemical variation, residue mobility, and thermodynamic stability) has been performed for this missense variant. However, the output from this modeling did not meet the statistical confidence thresholds required to predict the impact of this variant on C5 protein function. In summary, the available evidence is currently insufficient to determine the role of this variant in disease. Therefore, it has been classified as a Variant of Uncertain Significance.